The following is an entry in ClinVar:

ClinVar aggregate classification (germline): Uncertain significance. Review status: criteria provided, multiple submitters, no conflicts (2 of 4 stars). 2 submissions from 2 submitters: Uncertain significance (2). Last evaluated 2025-02-19.

Conditions:
Fanconi anemia (FA). Also called: Fanconi's anemia. Identifiers: Orphanet 84, MedGen C0015625, MeSH D005199, MONDO:0019391.

Allele frequency attached by ClinVar (database versions not stated): gnomAD exomes below 0.00001; TOPMed below 0.00001; ExAC 0.00001; gnomAD 0.00001.
gnomAD v4.1: 3 of 1,614,088 alleles (0.00019%); highest among the groups gnomAD compares: East Asian, 0.0067%; no homozygotes.

Submissions (2):

Labcorp Genetics (formerly Invitae), Labcorp
Classification: Uncertain significance for Fanconi anemia. Last evaluated: 2025-02-19. Review status: criteria provided, single submitter. Criteria: Invitae Variant Classification Sherloc (09022015). Collection method: clinical testing. Allele origin: germline.
Comment: This sequence change falls in intron 1 of the FANCL gene. It does not directly change the encoded amino acid sequence of the FANCL protein. It affects a nucleotide within the consensus splice site. This variant is present in population databases (rs764782273, gnomAD 0.01%). This variant has not been reported in the literature in individuals affected with FANCL-related conditions. ClinVar contains an entry for this variant (Variation ID: 938263). Variants that disrupt the consensus splice site are a relatively common cause of aberrant splicing (PMID: 17576681, 9536098). Algorithms developed to predict the effect of sequence changes on RNA splicing suggest that this variant may disrupt the consensus splice site. In summary, the available evidence is currently insufficient to determine the role of this variant in disease. Therefore, it has been classified as a Variant of Uncertain Significance.

GeneDx
Classification: Uncertain significance. Last evaluated: 2022-03-04. Review status: criteria provided, single submitter. Criteria: GeneDx Variant Classification Process June 2021. Collection method: clinical testing. Allele origin: germline. Affected: yes.
Comment: In silico analysis supports a deleterious effect on splicing; Has not been previously published as pathogenic or benign to our knowledge

Literature cited by the submitters: PubMed 17576681 (cited by Labcorp Genetics (formerly Invitae), Labcorp); PubMed 9536098 (cited by Labcorp Genetics (formerly Invitae), Labcorp).

NM_018062.4(FANCL):c.96+3A>T

Gene: FANCL (FA complementation group L; minus strand). Cytogenetic location: 2p16.1.
Variant type: single nucleotide variant.
Coding change: c.96+3A>T on transcript NM_018062.4 (MANE Select); 3 bases into the intron after coding-DNA position 96, A replaced by T.
Molecular consequence: intron variant.
Genome position (GRCh38, 1-based): chr2:58,241,215, T>A on the plus strand (A>T on the coding strand, the complement: FANCL is on the minus strand). VCF-style: chr2-58241215-T-A. GRCh37 (hg19) VCF-style: chr2-58468350-T-A.
Other names: c.96+3A>T (NM_001374615.1, NM_001114636.2, NM_001410792.1).
Identifiers: ClinVar variation 938263 (VCV000938263.8), dbSNP rs764782273, ClinGen allele CA1670815.